The following is an entry in ClinVar:

ClinVar aggregate classification (germline): Benign. Review status: criteria provided, multiple submitters, no conflicts (2 of 4 stars). 4 submissions from 4 submitters: Benign (3). 1 of the submissions does not count toward it. Last evaluated 2025-08-01.

Conditions:
CDK6-related disorder. Also called: CDK6-related condition.

Allele frequency attached by ClinVar (database versions not stated): 1000 Genomes Project 0.00619; 1000 Genomes Project 30x 0.00671; ExAC 0.00877; gnomAD exomes 0.00877 and 0.01147; TOPMed 0.00883; ESP Exome Variant Server 0.00900; gnomAD 0.00914 and 0.00965.
gnomAD v4.1: 18,089 of 1,614,074 alleles (1.1%); highest among the groups gnomAD compares: Non-Finnish European, 1.3%; 135 homozygotes.

Submissions (4):

CeGaT Center for Human Genetics Tuebingen
Classification: Benign. Last evaluated: 2025-08-01. Review status: criteria provided, single submitter. Criteria: CeGaT Center For Human Genetics Tuebingen Variant Classification Criteria Version 2. Collection method: clinical testing. Allele origin: germline. Affected: yes. Observed: 7 variant alleles.
Comment: CDK6: BP4, BP7, BS1, BS2

Labcorp Genetics (formerly Invitae), Labcorp
Classification: Benign. Last evaluated: 2019-12-31. Review status: criteria provided, single submitter. Criteria: Invitae Variant Classification Sherloc (09022015). Collection method: clinical testing. Allele origin: germline.

Breakthrough Genomics
Classification: Benign. Review status: criteria provided, single submitter. Criteria: ACMG Guidelines, 2015. Collection method: not provided. Allele origin: germline. Inheritance: Autosomal recessive inheritance. Affected: yes.

PreventionGenetics, part of Exact Sciences
Classification: Benign for CDK6-related condition. Last evaluated: 2019-12-16. Review status: no assertion criteria provided. Collection method: clinical testing. Allele origin: germline. Not counted in ClinVar's aggregate classification.
Comment: This variant is classified as benign based on ACMG/AMP sequence variant interpretation guidelines (Richards et al. 2015 PMID: 25741868, with internal and published modifications).

NM_001145306.2(CDK6):c.444A>T (p.Pro148=)

Gene: CDK6 (cyclin dependent kinase 6; minus strand). Cytogenetic location: 7q21.2.
Variant type: single nucleotide variant.
Coding change: c.444A>T on transcript NM_001145306.2 (MANE Select); coding-DNA position 444, A replaced by T.
Protein change: p.Pro148=; no amino-acid change (proline 148 retained).
Molecular consequence: synonymous variant.
Genome position (GRCh38, 1-based): chr7:92,725,719, T>A on the plus strand (A>T on the coding strand, the complement: CDK6 is on the minus strand). VCF-style: chr7-92725719-T-A. GRCh37 (hg19) VCF-style: chr7-92355033-T-A.
Other names: c.444A>T, p.Pro148= (NM_001259.8).
Identifiers: ClinVar variation 769332 (VCV000769332.33), dbSNP rs34257565, ClinGen allele CA4342395.
Genomic context (GRCh38, chr7:92,725,719, plus strand): 5'-GCGGGCAAGGCCGAAGTCAGCGAGTTTTATTTGTCCGCTGCTGGTCACCAGAATGTTCTG[T>A]GGTTTTAGATCGCGATGCACTACTCGGTGTGAATGAAGAAAGTCCAGACCTCGGAGAAGC-3'
Protein context (NP_001138778.1, residues 138-158): SHRVVHRDLK[Pro148=]QNILVTSSGQ